The following is an entry in ClinVar:

ClinVar aggregate classification (germline): Benign. Review status: criteria provided, multiple submitters, no conflicts (2 of 4 stars). 9 submissions from 7 submitters: Benign (9). Last evaluated 2026-02-04.

Conditions:
Amelogenesis imperfecta type 1A. Also called: AMELOGENESIS IMPERFECTA, HYPOPLASTIC TYPE IA; Amelogenesis imperfecta local hypoplastic; Amelogenesis imperfecta, hypoplastic type; Amelogenesis imperfecta, type IA. Identifiers: Orphanet 88661, MedGen C4011403, MONDO:0007094, OMIM 104530.
Junctional epidermolysis bullosa. Identifiers: Orphanet 305, MedGen C0079301, MONDO:0017612.
Junctional epidermolysis bullosa, non-Herlitz type. Also called: Epidermolysis bullosa, junctional, non-herlitz type, somatic mosaic revertant; EPIDERMOLYSIS BULLOSA JUNCTIONALIS, DISENTIS TYPE; EPIDERMOLYSIS BULLOSA JUNCTIONALIS, NON-HERLITZ TYPE; EPIDERMOLYSIS BULLOSA JUNCTIONALIS, PROGRESSIVE; EPIDERMOLYSIS BULLOSA JUNCTIONALIS, SEVERE NONLETHAL; COL17A1-Related Junctional Epidermolysis Bullosa. Identifiers: Orphanet 251393, Orphanet 79402, Orphanet 79405, Orphanet 89840, MedGen C0268374, MONDO:0009180, OMIM 226650.
Junctional epidermolysis bullosa gravis of Herlitz. Also called: EPIDERMOLYSIS BULLOSA JUNCTIONALIS, HERLITZ TYPE; EPIDERMOLYSIS BULLOSA, JUNCTIONAL, HERLITZ-PEARSON TYPE; JEB-HERLITZ TYPE; Herlitz-type junctional epidermolysis bullosa; Epidermolysis Bullosa Letalis; EPIDERMOLYSIS BULLOSA, JUNCTIONAL 1B, SEVERE. Identifiers: Orphanet 79404, MedGen C0079683, MONDO:0009182, OMIM 226700.

Allele frequency attached by ClinVar (database versions not stated): gnomAD 0.43973 and 0.44327; ESP Exome Variant Server 0.44087; TOPMed 0.44270; gnomAD exomes 0.39437; ExAC 0.40190; 1000 Genomes Project 0.46326; 1000 Genomes Project 30x 0.46971.
gnomAD v4.1: 610,710 of 1,612,508 alleles (38%); highest among the groups gnomAD compares: African/African-American, 61%; 118,694 homozygotes.

Submissions (9):

Labcorp Genetics (formerly Invitae), Labcorp
Classification: Benign. Last evaluated: 2026-02-04. Review status: criteria provided, single submitter. Criteria: Invitae Variant Classification Sherloc (09022015). Collection method: clinical testing. Allele origin: germline.

Blueprint Genetics
Classification: Benign. Last evaluated: 2024-11-26. Review status: criteria provided, single submitter. Criteria: ACMG Guidelines, 2015. Collection method: clinical testing. Allele origin: germline.

Genome-Nilou Lab
Classification: Benign for Amelogenesis imperfecta type 1A. Last evaluated: 2021-07-08. Review status: criteria provided, single submitter. Criteria: ACMG Guidelines, 2015. Collection method: clinical testing. Allele origin: germline. Affected: no.

Genome-Nilou Lab
Classification: Benign for Junctional epidermolysis bullosa gravis of Herlitz. Last evaluated: 2021-07-08. Review status: criteria provided, single submitter. Criteria: ACMG Guidelines, 2015. Collection method: clinical testing. Allele origin: germline. Affected: no.

Genome-Nilou Lab
Classification: Benign for Junctional epidermolysis bullosa, non-Herlitz type. Last evaluated: 2021-07-08. Review status: criteria provided, single submitter. Criteria: ACMG Guidelines, 2015. Collection method: clinical testing. Allele origin: germline. Affected: no.

Illumina Laboratory Services, Illumina
Classification: Benign for Junctional epidermolysis bullosa. Last evaluated: 2018-01-12. Review status: criteria provided, single submitter. Criteria: ICSL Variant Classification Criteria 13 December 2019. Collection method: clinical testing. Allele origin: germline.
Comment: This variant was observed in the ICSL laboratory as part of a predisposition screen in an ostensibly healthy population. It had not been previously curated by ICSL or reported in the Human Gene Mutation Database (HGMD: prior to June 1st, 2018), and was therefore a candidate for classification through an automated scoring system. Utilizing variant allele frequency, disease prevalence and penetrance estimates, and inheritance mode, an automated score was calculated to assess if this variant is too frequent to cause the disease. Based on the score and internal cut-off values, a variant classified as benign is not then subjected to further curation. The score for this variant resulted in a classification of benign for this disease.

GeneDx
Classification: Benign. Last evaluated: 2015-03-03. Review status: criteria provided, single submitter. Criteria: GeneDx Variant Classification Process June 2021. Collection method: clinical testing. Allele origin: germline. Affected: yes.

Breakthrough Genomics
Classification: Benign. Review status: criteria provided, single submitter. Criteria: ACMG Guidelines, 2015. Collection method: not provided. Allele origin: germline. Inheritance: Autosomal recessive inheritance. Affected: yes.

PreventionGenetics, part of Exact Sciences
Classification: Benign. Review status: criteria provided, single submitter. Criteria: ACMG Guidelines, 2015. Collection method: clinical testing. Allele origin: germline.

NM_000228.3(LAMB3):c.3432A>G (p.Ser1144=)

Gene: LAMB3 (laminin subunit beta 3; minus strand). Cytogenetic location: 1q32.2.
Variant type: single nucleotide variant.
Coding change: c.3432A>G on transcript NM_000228.3 (MANE Select); coding-DNA position 3432, A replaced by G.
Protein change: p.Ser1144=; no amino-acid change (serine 1144 retained).
Molecular consequence: synonymous variant.
Genome position (GRCh38, 1-based): chr1:209,615,358, T>C on the plus strand (A>G on the coding strand, the complement: LAMB3 is on the minus strand). VCF-style: chr1-209615358-T-C. GRCh37 (hg19) VCF-style: chr1-209788703-T-C.
Other names: c.3432A>G, p.Ser1144= (NM_001017402.2, NM_001127641.1).
Identifiers: ClinVar variation 255595 (VCV000255595.20), dbSNP rs1049607, ClinGen allele CA1374860.
Genomic context (GRCh38, chr1:209,615,358, plus strand): 5'-GCGCCCATTGATGTGGTCACGGATCTGCTCCACACGCTTCTCCAGTCCTGTCAGGTCCGC[T>C]GAGCGCAGCATGATGGCCTGGCTGCCCCGCAGCAGCTCCAACTCCATGTCTGAGGCAAAT-3'
Protein context (NP_000219.2, residues 1134-1154): LRGSQAIMLR[Ser1144=]ADLTGLEKRV